The following is an entry in ClinVar:

NM_000393.5(COL5A2):c.1463A>G (p.His488Arg)

Gene: COL5A2 (collagen type V alpha 2 chain; minus strand). Cytogenetic location: 2q32.2.
Variant type: single nucleotide variant.
Coding change: c.1463A>G on transcript NM_000393.5 (MANE Select); coding-DNA position 1463, A replaced by G.
Protein change: p.His488Arg; replaces histidine 488 with arginine.
Molecular consequence: missense variant.
Genome position (GRCh38, 1-based): chr2:189,066,490, T>C on the plus strand (A>G on the coding strand, the complement: COL5A2 is on the minus strand). VCF-style: chr2-189066490-T-C. GRCh37 (hg19) VCF-style: chr2-189931216-T-C.
Other names: short protein forms H488R.
Identifiers: ClinVar variation 579375 (VCV000579375.12), dbSNP rs149305351, ClinGen allele CA2022690.
Genomic context (GRCh38, chr2:189,066,490, plus strand): 5'-TCACCTCTGGGACCTCTTTTGCCTTCTTCACCGGGTGGGCCTATCGGACCCTGAATACCA[T>C]GTGGCCCCTGTTAAAAACAGAAGGACAGTTACCAGAAAGACCCATCCAACCAGTGAATTA-3'
Protein context (NP_000384.2, residues 478-498): EAGPKGEPGP[His488Arg]GIQGPIGPPG

ClinVar aggregate classification (germline): Conflicting classifications of pathogenicity. Review status: criteria provided, conflicting classifications (1 of 4 stars). 4 submissions from 4 submitters: Uncertain significance (2); Benign (1); Likely benign (1). Last evaluated 2026-03-23.

Conditions:
Ehlers-Danlos syndrome, classic type, 1 (EDSCL1). Also called: Ehlers-Danlos Syndrome, Classic Type, COL5A1-Related; EDS I; Ehlers-Danlos syndrome, type 1; EHLERS-DANLOS SYNDROME, GRAVIS TYPE; EHLERS-DANLOS SYNDROME, SEVERE CLASSIC TYPE. Identifiers: MedGen C0268335, MONDO:0019567, OMIM 130000.
Familial thoracic aortic aneurysm and aortic dissection (TAAD). Also called: Thoracic aortic aneurysms and dissections. Identifiers: Orphanet 91387, MedGen C4707243, MONDO:0019625.

Allele frequency attached by ClinVar (database versions not stated): TOPMed 0.00004; gnomAD 0.00002 and 0.00003; ESP Exome Variant Server 0.00008.
gnomAD v4.1: 11 of 1,614,000 alleles (0.00068%); highest among the groups gnomAD compares: African/African-American, 0.008%; no homozygotes.

Submissions (4):

Ambry Genetics
Classification: Likely benign for Familial thoracic aortic aneurysm and aortic dissection. Last evaluated: 2026-03-23. Review status: criteria provided, single submitter. Criteria: Ambry Variant Classification Scheme 2023. Collection method: clinical testing. Allele origin: germline.

GeneDx
Classification: Uncertain significance. Last evaluated: 2025-09-05. Review status: criteria provided, single submitter. Criteria: GeneDx Variant Classification Process June 2021. Collection method: clinical testing. Allele origin: germline. Affected: yes.
Comment: Not observed at significant frequency in large population cohorts (gnomAD); In silico analysis suggests that this missense variant does not alter protein structure/function; Has not been previously published as pathogenic or benign to our knowledge

Women's Health and Genetics/Laboratory Corporation of America, LabCorp
Classification: Uncertain significance. Last evaluated: 2025-05-12. Review status: criteria provided, single submitter. Criteria: LabCorp Variant Classification Summary - May 2015. Collection method: clinical testing. Allele origin: germline.
Comment: Variant summary: COL5A2 c.1463A>G (p.His488Arg) results in a non-conservative amino acid change in the encoded protein sequence. Algorithms developed to predict the effect of missense changes on protein structure and function all suggest that this variant is likely to be disruptive. The variant allele was found at a frequency of 6.8e-06 in 1614000 control chromosomes. This frequency is not significantly higher than estimated for a pathogenic variant in COL5A2 causing Ehlers-Danlos syndrome, classic type, 2 (6.8e-06 vs 3.1e-05), allowing no conclusion about variant significance. To our knowledge, no occurrence of c.1463A>G in individuals affected with Ehlers-Danlos syndrome, classic type, 2 and no experimental evidence demonstrating its impact on protein function have been reported. ClinVar contains an entry for this variant (Variation ID: 579375). Based on the evidence outlined above, the variant was classified as uncertain significance.

Labcorp Genetics (formerly Invitae), Labcorp
Classification: Benign for Ehlers-Danlos syndrome, classic type, 1. Last evaluated: 2025-03-15. Review status: criteria provided, single submitter. Criteria: Invitae Variant Classification Sherloc (09022015). Collection method: clinical testing. Allele origin: germline.